The following is an entry in ClinVar:

NM_003611.3(OFD1):c.2584T>G (p.Ser862Ala)

Gene: OFD1 (OFD1 centriole and centriolar satellite protein; plus strand). Cytogenetic location: Xp22.2.
Variant type: single nucleotide variant.
Coding change: c.2584T>G on transcript NM_003611.3 (MANE Select); coding-DNA position 2584, T replaced by G.
Protein change: p.Ser862Ala; replaces serine 862 with alanine.
Molecular consequence: missense variant.
Genome position (GRCh38, 1-based): chrX:13,763,840, T>G. VCF-style: chrX-13763840-T-G. GRCh37 (hg19) VCF-style: chrX-13781959-T-G.
Other names: c.2464T>G, p.Ser822Ala (NM_001330209.2); c.2164T>G, p.Ser722Ala (NM_001330210.2); short protein forms S862A, S822A, S722A.
Identifiers: ClinVar variation 211787 (VCV000211787.20), dbSNP rs797045846, ClinGen allele CA205192.

ClinVar aggregate classification (germline): Conflicting classifications of pathogenicity. Review status: criteria provided, conflicting classifications (1 of 4 stars). 5 submissions from 5 submitters: Uncertain significance (2); Likely benign (3). Last evaluated 2025-11-17.

Conditions:
Orofaciodigital syndrome I (OFD1). Also called: Oral-Facial-Digital Syndrome Type I; Papillon-Leage and Psaume Syndrome; OFDS I. Identifiers: Orphanet 2750, MedGen C1510460, MONDO:0010702, OMIM 311200.
Joubert syndrome. Also called: Familial aplasia of the vermis; JOUBERT-BOLTSHAUSER SYNDROME. Identifiers: Orphanet 475, MedGen C5979921, MONDO:0018772.
Simpson-Golabi-Behmel syndrome type 2. Identifiers: Orphanet 79022, MedGen C1846175, MONDO:0010265, OMIM 300209.
Joubert syndrome 10 (JBTS10). Identifiers: Orphanet 2754, MedGen C2749019, MONDO:0010431, OMIM 300804.
Retinitis pigmentosa 23 (RP23). Identifiers: Orphanet 791, MedGen C1419610, MONDO:0010320, OMIM 300424.
Primary ciliary dyskinesia. Also called: Ciliary dyskinesia. Identifiers: Orphanet 244, MedGen C0008780, MONDO:0016575, HP:0012265.

Allele frequency attached by ClinVar (database versions not stated): gnomAD exomes below 0.00001 and 0.00001; gnomAD 0.00006 and 0.00008; TOPMed 0.00021.
gnomAD v4.1: 13 of 1,204,287 alleles (0.0011%); highest among the groups gnomAD compares: African/African-American, 0.012%; no homozygotes.

Submissions (5):

Labcorp Genetics (formerly Invitae), Labcorp
Classification: Uncertain significance for Orofaciodigital syndrome I; Joubert syndrome. Last evaluated: 2025-11-17. Review status: criteria provided, single submitter. Criteria: Invitae Variant Classification Sherloc (09022015). Collection method: clinical testing. Allele origin: germline.
Comment: This sequence change replaces serine, which is neutral and polar, with alanine, which is neutral and non-polar, at codon 862 of the OFD1 protein (p.Ser862Ala). This variant is present in population databases (rs797045846, gnomAD 0.02%). This missense change has been observed in individual(s) with clinical features of OFD1-related conditions (internal data). ClinVar contains an entry for this variant (Variation ID: 211787). Invitae Evidence Modeling of protein sequence and biophysical properties (such as structural, functional, and spatial information, amino acid conservation, physicochemical variation, residue mobility, and thermodynamic stability) indicates that this missense variant is not expected to disrupt OFD1 protein function with a negative predictive value of 80%. In summary, the available evidence is currently insufficient to determine the role of this variant in disease. Therefore, it has been classified as a Variant of Uncertain Significance.

Fulgent Genetics
Classification: Likely benign for Simpson-Golabi-Behmel syndrome type 2; Retinitis pigmentosa 23; Joubert syndrome 10; Orofaciodigital syndrome I. Last evaluated: 2024-02-15. Review status: criteria provided, single submitter. Criteria: ACMG Guidelines, 2015. Collection method: clinical testing. Allele origin: germline.

Ambry Genetics
Classification: Likely benign for Primary ciliary dyskinesia. Last evaluated: 2022-09-19. Review status: criteria provided, single submitter. Criteria: Ambry Variant Classification Scheme 2023. Collection method: clinical testing. Allele origin: germline.

Blueprint Genetics
Classification: Likely benign. Last evaluated: 2021-12-08. Review status: criteria provided, single submitter. Criteria: ACMG Guidelines, 2015. Collection method: clinical testing. Allele origin: germline.

Genetic Services Laboratory, University of Chicago
Classification: Uncertain significance. Last evaluated: 2014-11-26. Review status: criteria provided, single submitter. Criteria: ACMG Guidelines, 2015. Collection method: clinical testing. Allele origin: germline.